The following is an entry in ClinVar:

NM_138370.3(PKDCC):c.707del (p.Gly236fs)

Gene: PKDCC (protein kinase domain containing, cytoplasmic; plus strand). Cytogenetic location: 2p21.
Variant type: Deletion.
Coding change: c.707del on transcript NM_138370.3 (MANE Select); coding-DNA position 707, one base deleted (G; older notation c.707delG).
Protein change: p.Gly236fs; shifts the reading frame from glycine 236.
Molecular consequence: frameshift variant.
Genome position (GRCh38, 1-based): chr2:42,053,306, G deleted; the last of 3 consecutive G bases (chr2:42,053,304-42,053,306); deleting any one gives the same sequence. VCF-style (leftmost placement, unchanged base first): chr2-42053303-TG-T. GRCh37 (hg19) VCF-style: chr2-42280443-TG-T.
Other names: short protein forms G236fs.
Identifiers: ClinVar variation 3695668 (VCV003695668.2).

ClinVar aggregate classification (germline): Pathogenic (1 of 4 stars; one submission).

Submission:

Labcorp Genetics (formerly Invitae), Labcorp
Classification: Pathogenic. Last evaluated: 2025-07-24. Review status: criteria provided, single submitter. Criteria: Invitae Variant Classification Sherloc (09022015). Collection method: clinical testing. Allele origin: germline.
Comment: This sequence change creates a premature translational stop signal (p.Gly236Alafs*4) in the PKDCC gene. It is expected to result in an absent or disrupted protein product. Loss-of-function variants in PKDCC are known to be pathogenic (PMID: 19097194, 30478137). This variant is present in population databases (rs772656705, gnomAD 0.003%). This variant has not been reported in the literature in individuals affected with PKDCC-related conditions. ClinVar contains an entry for this variant (Variation ID: 3695668). For these reasons, this variant has been classified as Pathogenic.

Literature cited by the submitters: PubMed 19097194; PubMed 30478137.